The following is an entry in ClinVar:

NM_144997.7(FLCN):c.466TTC[1] (p.Phe157del)

Gene: FLCN (folliculin; minus strand). Cytogenetic location: 17p11.2.
Variant type: Microsatellite.
Coding change: c.466TTC[1] on transcript NM_144997.7 (MANE Select); one copy of the 3-base unit TTC starting at c.466; the reference has two copies in a row; one copy, 3 bases deleted; also written c.469_471del.
Protein change: p.Phe157del; deletes phenylalanine 157.
Molecular consequence: inframe deletion.
Genome position (GRCh38, 1-based): chr17:17,224,069-17,224,071, GAA deleted on the plus strand (TTC on the coding strand, the reverse complement: FLCN is on the minus strand); deleting any 3 consecutive bases within chr17:17,224,069-17,224,075 gives the same sequence; the position shown is the placement nearest the transcript's 3' end. VCF-style (leftmost placement, unchanged base first): chr17-17224068-TGAA-T. GRCh37 (hg19) VCF-style: chr17-17127382-TGAA-T.
Other names: c.520TTC[1], p.Phe175del (NM_001353229.2); c.466TTC[1], p.Phe157del (NM_001353230.2, NM_001353231.2, NM_144606.7); c.469_471del (NM_144997.7, NM_144997.6, NM_144997.5); short protein forms F157del, F175del.
Identifiers: ClinVar variation 186785 (VCV000186785.54), dbSNP rs786203218, ClinGen allele CA195863.

ClinVar aggregate classification (germline): Pathogenic/Likely pathogenic. Review status: criteria provided, multiple submitters, no conflicts (2 of 4 stars). 16 submissions from 16 submitters: Pathogenic (11); Likely pathogenic (2). 3 of the submissions do not count toward it. Last evaluated 2026-10-22.

Conditions:
Familial spontaneous pneumothorax (PSP). Identifiers: Orphanet 2903, MedGen C1868193, MONDO:0008259, OMIM 173600.
Colorectal cancer. Also called: Colorectal cancer, somatic; Malignant Colorectal Neoplasm. Identifiers: MedGen C0346629, MONDO:0005575, OMIM 114500.
Birt-Hogg-Dube syndrome. Also called: Birt Hogg Dubé syndrome. Identifiers: Orphanet 122, MedGen C0346010, MONDO:0800444.
17p11.2 microduplication syndrome (PTLS). Also called: CHROMOSOME 17p11.2 DUPLICATION SYNDROME; Potocki-Lupski syndrome; Duplication 17p11.2 syndrome; Potocki-Lupski syndrome (dup(17)(p11.2p11.2)). Identifiers: Orphanet 1713, MedGen C2931246, MONDO:0012574, OMIM 610883.
Nonpapillary renal cell carcinoma. Identifiers: Orphanet 422526, MedGen CN074294, MONDO:0007763, OMIM 144700.
FLCN-related disorders.
Birt-Hogg-Dube syndrome 1 (BHD1). Also called: FIBROFOLLICULOMAS WITH TRICHODISCOMAS AND ACROCHORDONS. Identifiers: Orphanet 122, MedGen CN375946, MONDO:0800445, OMIM 135150.
Pneumothorax - familial.
FLCN-related disorder. Also called: FLCN-related condition.
Hereditary cancer-predisposing syndrome. Also called: Neoplastic Syndromes, Hereditary; Tumor predisposition; Hereditary Cancer Syndrome; Hereditary neoplastic syndrome. Identifiers: Orphanet 140162, MedGen C0027672, MeSH D009386, MONDO:0015356.

Submissions 1 to 12 of 16:

Department of Medical Genetics, Hatay Education and Research Hospital
Classification: Pathogenic for Birt-Hogg-Dube syndrome 1. Last evaluated: 2026-10-22. Review status: criteria provided, single submitter. Criteria: ACMG Guidelines, 2015. Collection method: clinical testing. Allele origin: germline. Affected: yes. Observed: 1 variant allele.
Comment: The c.469_471del (p.Phe157del) in-frame deletion variant in the FLCN gene (NM_144997.7) leads to the in-frame deletion of a single amino acid without altering the reading frame (PM4). This variant is extremely rare or absent in large population control databases (PM2_Supporting). Functional and immunohistochemical studies demonstrate that this variant significantly impairs protein stability and function: intracellular FLCN protein expression is reduced to ~33%, solubility is decreased, its ability to stabilize and bind FNIP1/2 is compromised, and its cellular localization is restricted to the cytoplasm compared to wild-type which shows both cytoplasmic and nuclear localization (PMID: 33137092, PMID: 21538689). Furthermore, this variant has been reported in multiple independent BHD patients and cohorts in the literature (PS4_Moderate; PMID: 34229741, 34604083, 31258130, 30360018, 27906882, 22571569) and is registered in ClinVar (Variation ID: 186785) with pathogenic/likely pathogenic classifications. Based on ACMG/AMP guidelines and combined functional, clinical, and literature evidence, this variant is classified as Pathogenic for Birt-Hogg-Dubé syndrome

NHS Central & South Genomic Laboratory Hub
Classification: Likely pathogenic for Pneumothorax - familial. Last evaluated: 2025-10-21. Review status: criteria provided, single submitter. Criteria: ACMG Guidelines, 2015. Collection method: clinical testing. Allele origin: germline. Affected: yes.

Ambry Genetics
Classification: Pathogenic for Hereditary cancer-predisposing syndrome. Last evaluated: 2025-06-16. Review status: criteria provided, single submitter. Criteria: Ambry Variant Classification Scheme 2023. Collection method: clinical testing. Allele origin: germline.
Comment: The c.469_471delTTC pathogenic mutation (also known as p.F157del) is located in coding exon 3 of the FLCN gene. This pathogenic mutation results from an in-frame TTC deletion at nucleotide positions 469 to 471. This results in the in-frame deletion of a phenylalanine at codon 157. This alteration has been reported in numerous individuals and families with clinical features of Birt-Hogg-Dube syndrome (Lim D et al. Hum Mutat. 2010 Jan;31(1):E1043-51; Houweling AC et al. British Journal of Cancer 2011;105:1912&ndash;1919; Byrne M et al. Australas J Dermatol. 2012 May;53(2):151-4; Shvartsbeyn M et al. J Cutan Pathol. 2012 Jul;39(7):675-9;Radzikowska E et al. Pol. Arch. Med. Wewn., 2016 Nov;126:897-898). This alteration has been shown to segregate with disease in the literature and in two families tested in our laboratory (Bondavalli D et al. Am. J. Med. Genet. 2015 Apr;167A(4):802-4; Ren H et al. Clin Genet. 2008 Aug;74(2):178-83; Ambry internal data). In vivo analyses indicated that this alteration led to a significantly less stable protein when compared to wildtype (p<0.01) (Nahorski M et al. Hum Mutat. 2011 Aug;32(8):921-9). Of note, this alteration has been referred to as c.924_926delTTC in some literature. This amino acid position is highly conserved in available vertebrate species. Based on the available evidence, this alteration is classified as a pathogenic mutation.

Labcorp Genetics (formerly Invitae), Labcorp
Classification: Pathogenic for Birt-Hogg-Dube syndrome. Last evaluated: 2025-05-12. Review status: criteria provided, single submitter. Criteria: Invitae Variant Classification Sherloc (09022015). Collection method: clinical testing. Allele origin: germline.
Comment: This variant, c.469_471del, results in the deletion of 1 amino acid(s) of the FLCN protein (p.Phe157del), but otherwise preserves the integrity of the reading frame. This variant is present in population databases (rs786203218, gnomAD 0.0009%). This variant has been observed in individuals with Birt-Hogg-Dubé syndrome (PMID: 18505456, 22146830, 22571569, 27906882, 28724667). It has also been observed to segregate with disease in related individuals. This variant is also known as c.924_926del. ClinVar contains an entry for this variant (Variation ID: 186785). Algorithms developed to predict the effect of variants on gene product structure and function are not available or were not evaluated for this variant. Experimental studies have shown that this variant affects FLCN function (PMID: 21538689). For these reasons, this variant has been classified as Pathogenic.

Molecular Pathology, Peter Maccallum Cancer Centre
Classification: Pathogenic for Birt-Hogg-Dube syndrome 1. Last evaluated: 2025-02-17. Review status: criteria provided, single submitter. Criteria: ACMG Guidelines, 2015. Collection method: clinical testing. Allele origin: germline. Inheritance: Autosomal dominant inheritance.

Myriad Genetics, Inc.
Classification: Pathogenic for Birt-Hogg-Dube syndrome 1. Last evaluated: 2024-10-23. Review status: criteria provided, single submitter. Criteria: Myriad Autosomal Dominant, Autosomal Recessive and X-Linked Classification Criteria (2023). Collection method: clinical testing. Allele origin: unknown.
Comment: This variant is considered pathogenic. Functional studies indicate this variant impacts protein function [PMID: 33137092]. This variant is expected to disrupt protein structure [Myriad internal data]. This variant has been reported in multiple individuals with clinical features of gene-specific disease [PMID:18505456, 34604083, 30360018, 34229741, 22146830, 39272843].

Baylor Genetics
Classification: Pathogenic for Birt-Hogg-Dube syndrome 1. Last evaluated: 2024-03-05. Review status: criteria provided, single submitter. Criteria: ACMG Guidelines, 2015. Collection method: clinical testing. Allele origin: unknown.

Quest Diagnostics Nichols Institute San Juan Capistrano
Classification: Pathogenic. Last evaluated: 2023-03-01. Review status: criteria provided, single submitter. Criteria: Quest Diagnostics criteria. Collection method: clinical testing. Allele origin: unknown.
Comment: The frequency of this variant in the general population, 0.000004 (1/249864 chromosomes), is uninformative in assessment of its pathogenicity. In the published literature, the variant has been reported in in individuals with Brit-Hogg-Dube Syndrome (PMIDs: 18505456 (2008), 22146830 (2011), 27906882 (2016), 33313181 (2020), 31258130 (2019), 22571569 (2012), 25655561 (2015), 30360018 (2019), 31615547 (2019)). Published functional study reports that this variant affects the protein stability and is damaging to the protein function (PMID: 21538689 (2011)). Based on the available information, this variant is classified as pathogenic.

GeneDx
Classification: Pathogenic. Last evaluated: 2021-12-27. Review status: criteria provided, single submitter. Criteria: GeneDx Variant Classification Process June 2021. Collection method: clinical testing. Allele origin: germline. Affected: yes.
Comment: In-frame deletion of one amino acid in a non-repeat region; Published functional studies demonstrate a damaging effect: disrupted protein stability, reduced protein expression (Nahorski et al., 2011); In silico analysis supports a deleterious effect on protein structure/function; Not observed at significant frequency in large population cohorts (Lek et al., 2016); Also known as c.924_926del; This variant is associated with the following publications: (PMID: 22725638, 27229674, 21538689, 22571569, 25655561, 19802896, 22146830, 22446046, 18505456, 27906882, 28724667, 28869776, 29357828, 30360018, 31625278, 31615547, 34048023, 34604083)

Fulgent Genetics
Classification: Pathogenic for Colorectal cancer; Birt-Hogg-Dube syndrome 1; Nonpapillary renal cell carcinoma; Familial spontaneous pneumothorax; 17p11.2 microduplication syndrome. Last evaluated: 2021-12-02. Review status: criteria provided, single submitter. Criteria: ACMG Guidelines, 2015. Collection method: clinical testing. Allele origin: unknown.

CeGaT Center for Human Genetics Tuebingen
Classification: Pathogenic. Last evaluated: 2018-05-01. Review status: criteria provided, single submitter. Criteria: CeGaT Center For Human Genetics Tuebingen Variant Classification Criteria Version 2. Collection method: clinical testing. Allele origin: germline. Affected: yes. Observed: 5 variant alleles.

Blueprint Genetics
Classification: Pathogenic for FLCN-related disorders. Last evaluated: 2018-03-12. Review status: criteria provided, single submitter. Criteria: ACMG Guidelines, 2015. Collection method: clinical testing. Allele origin: germline. Affected: yes. Observed: 1 variant allele.